The following is an entry in ClinVar:

NM_005422.4(TECTA):c.2604G>T (p.Thr868=)

Genes: TBCEL-TECTA (TBCEL-TECTA readthrough; plus strand), TECTA (tectorin alpha; plus strand), LOC126861365 (P300/CBP strongly-dependent group 1 enhancer GRCh37_chr11:121000154-121001353; plus strand). Cytogenetic location: 11q23.3.
Variant type: single nucleotide variant.
Coding change: c.2604G>T on transcript NM_005422.4 (MANE Select); coding-DNA position 2604, G replaced by T.
Protein change: p.Thr868=; no amino-acid change (threonine 868 retained).
Molecular consequence: synonymous variant.
Genome position (GRCh38, 1-based): chr11:121,129,874, G>T. VCF-style: chr11-121129874-G-T. GRCh37 (hg19) VCF-style: chr11-121000583-G-T.
Other names: c.3561G>T, p.Thr1187= (NM_001378761.1).
Identifiers: ClinVar variation 227996 (VCV000227996.27), dbSNP rs139509847, ClinGen allele CA6327027.
Genomic context (GRCh38, chr11:121,129,874, plus strand): 5'-GTGCGGCTTCTACAATGCCAACGCCAGTGACGAGTTCTGTCTCCCCAACGGCAAGTGCAC[G>T]GACAACCTGGCAGTGTTCCTGGAAAGCTGGACAACTTTCGAGGAGATCTGCAATGGAGAG-3'
Protein context (NP_005413.2, residues 858-878): DEFCLPNGKC[Thr868=]DNLAVFLESW

ClinVar aggregate classification (germline): Conflicting classifications of pathogenicity. Review status: criteria provided, conflicting classifications (1 of 4 stars). 7 submissions from 7 submitters: Uncertain significance (1); Benign (1); Likely benign (5). Last evaluated 2026-07-26.

Conditions:
TECTA-related disorder. Also called: TECTA-related condition.

Allele frequency attached by ClinVar (database versions not stated): 1000 Genomes Project 0.00060; 1000 Genomes Project 30x 0.00062; gnomAD 0.00073; ESP Exome Variant Server 0.00100; TOPMed 0.00120.
gnomAD v4.1: 325 of 1,614,200 alleles (0.02%); highest among the groups gnomAD compares: African/African-American, 0.4%; 1 homozygote.

Submissions (7):

PreventionGenetics, part of Exact Sciences
Classification: Likely benign for TECTA-related condition. Last evaluated: 2026-07-26. Review status: criteria provided, single submitter. Criteria: ACMG Guidelines, 2015. Collection method: clinical testing. Allele origin: germline.
Comment: This variant is classified as likely benign based on ACMG/AMP sequence variant interpretation guidelines (Richards et al. 2015 PMID: 25741868, with internal and published modifications).

CeGaT Center for Human Genetics Tuebingen
Classification: Likely benign. Last evaluated: 2026-03-01. Review status: criteria provided, single submitter. Criteria: CeGaT Center For Human Genetics Tuebingen Variant Classification Criteria Version 2. Collection method: clinical testing. Allele origin: germline. Affected: yes. Observed: 1 variant allele.
Comment: TECTA: BP4, BP7

Labcorp Genetics (formerly Invitae), Labcorp
Classification: Benign. Last evaluated: 2025-10-26. Review status: criteria provided, single submitter. Criteria: Invitae Variant Classification Sherloc (09022015). Collection method: clinical testing. Allele origin: germline.

Blueprint Genetics
Classification: Likely benign. Last evaluated: 2024-03-01. Review status: criteria provided, single submitter. Criteria: ACMG Guidelines, 2015. Collection method: clinical testing. Allele origin: germline.

GeneDx
Classification: Uncertain significance. Last evaluated: 2020-09-10. Review status: criteria provided, single submitter. Criteria: GeneDx Variant Classification Process June 2021. Collection method: clinical testing. Allele origin: germline. Affected: yes.
Comment: In-silico analysis, which includes splice predictors and evolutionary conservation, is inconclusive as to whether the variant alters gene splicing. In the absence of RNA/functional studies, the actual effect of this sequence change is unknown.; Has not been previously published as pathogenic or benign to our knowledge

Eurofins Ntd Llc (ga)
Classification: Likely benign. Last evaluated: 2018-04-04. Review status: criteria provided, single submitter. Criteria: EGL ClinVar v180209 classification definitions. Collection method: clinical testing. Allele origin: germline. Observed: 1 variant allele, 1 heterozygote.

Laboratory for Molecular Medicine, Mass General Brigham Personalized Medicine
Classification: Likely benign. Last evaluated: 2012-04-30. Review status: criteria provided, single submitter. Criteria: LMM Criteria. Collection method: clinical testing. Allele origin: germline. Observed: 1 variant allele.
Comment: p.Thr868Thr in Exon 09 of TECTA: This variant is not expected to have clinical s ignificance because it does not alter an amino acid residue, is not located with in the splice consensus sequence, and has been identified in 0.3% (32/10406) of African chromosomes by the Exome Aggregation Consortium (dbSNP rs139509847).